The following is an entry in ClinVar:

ClinVar aggregate classification (germline): Uncertain significance. Review status: criteria provided, multiple submitters, no conflicts (2 of 4 stars). 2 submissions from 2 submitters: Uncertain significance (2). Last evaluated 2024-07-28.

Conditions:
Hereditary cancer-predisposing syndrome. Also called: Neoplastic Syndromes, Hereditary; Hereditary Cancer Syndrome; Tumor predisposition; Hereditary neoplastic syndrome. Identifiers: Orphanet 140162, MedGen C0027672, MeSH D009386, MONDO:0015356.
Rhabdoid tumor predisposition syndrome 2 (RTPS2). Identifiers: Orphanet 231108, Orphanet 69077, MedGen C2750074, MONDO:0013224, OMIM 613325.

Allele frequency attached by ClinVar (database versions not stated): gnomAD exomes below 0.00001; ExAC 0.00001.

Submissions (2):

Ambry Genetics
Classification: Uncertain significance for Hereditary cancer-predisposing syndrome. Last evaluated: 2024-07-28. Review status: criteria provided, single submitter. Criteria: Ambry Variant Classification Scheme 2023. Collection method: clinical testing. Allele origin: germline.
Comment: The p.P1478L variant (also known as c.4433C>T), located in coding exon 30 of the SMARCA4 gene, results from a C to T substitution at nucleotide position 4433. The proline at codon 1478 is replaced by leucine, an amino acid with similar properties. This amino acid position is conserved. In addition, this alteration is predicted to be tolerated by in silico analysis. Based on the available evidence, the clinical significance of this variant remains unclear.

Labcorp Genetics (formerly Invitae), Labcorp
Classification: Uncertain significance for Rhabdoid tumor predisposition syndrome 2. Last evaluated: 2020-09-13. Review status: criteria provided, single submitter. Criteria: Invitae Variant Classification Sherloc (09022015). Collection method: clinical testing. Allele origin: germline.
Comment: In summary, the available evidence is currently insufficient to determine the role of this variant in disease. Therefore, it has been classified as a Variant of Uncertain Significance. Algorithms developed to predict the effect of missense changes on protein structure and function (SIFT, PolyPhen-2, Align-GVGD) all suggest that this variant is likely to be disruptive, but these predictions have not been confirmed by published functional studies and their clinical significance is uncertain. This variant has not been reported in the literature in individuals with SMARCA4-related conditions. This variant is present in population databases (rs760763271, ExAC 0.02%). This sequence change replaces proline with leucine at codon 1478 of the SMARCA4 protein (p.Pro1478Leu). The proline residue is highly conserved and there is a moderate physicochemical difference between proline and leucine.

NM_003072.5(SMARCA4):c.4337C>T (p.Pro1446Leu)

Gene: SMARCA4 (SWI/SNF related BAF chromatin remodeling complex subunit ATPase 4; plus strand). Cytogenetic location: 19p13.2.
Variant type: single nucleotide variant.
Coding change: c.4337C>T on transcript NM_003072.5 (MANE Select); coding-DNA position 4337, C replaced by T.
Protein change: p.Pro1446Leu; replaces proline 1446 with leucine.
Molecular consequence: missense variant. On other transcripts: non-coding transcript variant (1).
Genome position (GRCh38, 1-based): chr19:11,041,473, C>T. VCF-style: chr19-11041473-C-T. GRCh37 (hg19) VCF-style: chr19-11152149-C-T.
Other names: c.4433C>T (NM_001128849.1); c.4337C>T, p.Pro1446Leu (NM_001128844.3); c.4247C>T, p.Pro1416Leu (NM_001128845.2, NM_001128846.2); c.4238C>T, p.Pro1413Leu (NM_001128847.4, NM_001128848.2, NM_001374457.1); c.4433C>T, p.Pro1478Leu (NM_001128849.3, NM_001387283.1); short protein forms P1416L, P1446L, P1413L, P1478L.
Identifiers: ClinVar variation 1037620 (VCV001037620.10), dbSNP rs760763271, ClinGen allele CA9204705.